The following is an entry in ClinVar:

NM_005529.7(HSPG2):c.10513G>A (p.Ala3505Thr)

Gene: HSPG2 (heparan sulfate proteoglycan 2; minus strand). Cytogenetic location: 1p36.12.
Variant type: single nucleotide variant.
Coding change: c.10513G>A on transcript NM_005529.7 (MANE Select); coding-DNA position 10513, G replaced by A.
Protein change: p.Ala3505Thr; replaces alanine 3505 with threonine.
Molecular consequence: missense variant.
Genome position (GRCh38, 1-based): chr1:21,834,886, C>T on the plus strand (G>A on the coding strand, the complement: HSPG2 is on the minus strand). VCF-style: chr1-21834886-C-T. GRCh37 (hg19) VCF-style: chr1-22161379-C-T.
Other names: c.10516G>A, p.Ala3506Thr (NM_001291860.2); short protein forms A3505T, A3506T.
Identifiers: ClinVar variation 2428021 (VCV002428021.6), dbSNP rs754044910, ClinGen allele CA670094.

ClinVar aggregate classification (germline): Uncertain significance (1 of 4 stars; one submission).

Allele frequency attached by ClinVar (database versions not stated): ExAC 0.00001; gnomAD 0.00001; gnomAD exomes 0.00001.
gnomAD v4.1: 20 of 1,613,396 alleles (0.0012%); highest among the groups gnomAD compares: African/African-American, 0.0027%; no homozygotes.

Submission:

Labcorp Genetics (formerly Invitae), Labcorp
Classification: Uncertain significance. Last evaluated: 2025-04-09. Review status: criteria provided, single submitter. Criteria: Invitae Variant Classification Sherloc (09022015). Collection method: clinical testing. Allele origin: germline.
Comment: This sequence change replaces alanine, which is neutral and non-polar, with threonine, which is neutral and polar, at codon 3505 of the HSPG2 protein (p.Ala3505Thr). This variant is present in population databases (rs754044910, gnomAD 0.006%). This variant has not been reported in the literature in individuals affected with HSPG2-related conditions. ClinVar contains an entry for this variant (Variation ID: 2428021). An algorithm developed to predict the effect of missense changes on protein structure and function outputs the following: PolyPhen-2: "Benign". The threonine amino acid residue is found in multiple mammalian species, which suggests that this missense change does not adversely affect protein function. In summary, the available evidence is currently insufficient to determine the role of this variant in disease. Therefore, it has been classified as a Variant of Uncertain Significance.